The following is an entry in ClinVar:

ClinVar aggregate classification (germline): Uncertain significance. Review status: criteria provided, multiple submitters, no conflicts (2 of 4 stars). 3 submissions from 3 submitters: Uncertain significance (3). Last evaluated 2025-04-20.

Conditions:
Nemaline myopathy 2 (NEM2). Also called: Nemaline myopathy 2, autosomal recessive. Identifiers: MedGen C1850569, MONDO:0009725, OMIM 256030.
Inborn genetic diseases. Identifiers: MedGen C0950123, MeSH D030342.

Allele frequency attached by ClinVar (database versions not stated): gnomAD 0.00001; gnomAD exomes 0.00001 and 0.00009; ExAC 0.00014; TOPMed 0.00005.
gnomAD v4.1: 20 of 1,559,610 alleles (0.0013%); highest among the groups gnomAD compares: Admixed American, 0.02%; no homozygotes.

Submissions (3):

Ambry Genetics
Classification: Uncertain significance for Inborn genetic diseases. Last evaluated: 2025-04-20. Review status: criteria provided, single submitter. Criteria: Ambry Variant Classification Scheme 2023. Collection method: clinical testing. Allele origin: germline.

Labcorp Genetics (formerly Invitae), Labcorp
Classification: Uncertain significance for Nemaline myopathy 2. Last evaluated: 2022-02-05. Review status: criteria provided, single submitter. Criteria: Invitae Variant Classification Sherloc (09022015). Collection method: clinical testing. Allele origin: germline.
Comment: This sequence change replaces tyrosine, which is neutral and polar, with cysteine, which is neutral and slightly polar, at codon 7070 of the NEB protein (p.Tyr7070Cys). This variant is present in population databases (rs754366347, gnomAD 0.03%). This variant has not been reported in the literature in individuals affected with NEB-related conditions. ClinVar contains an entry for this variant (Variation ID: 331427). Algorithms developed to predict the effect of missense changes on protein structure and function are either unavailable or do not agree on the potential impact of this missense change (SIFT: "Deleterious"; PolyPhen-2: "Not Available"; Align-GVGD: "Class C0"). Algorithms developed to predict the effect of sequence changes on RNA splicing suggest that this variant may create or strengthen a splice site. In summary, the available evidence is currently insufficient to determine the role of this variant in disease. Therefore, it has been classified as a Variant of Uncertain Significance.

Illumina Laboratory Services, Illumina
Classification: Uncertain significance for Nemaline myopathy 2. Last evaluated: 2018-01-13. Review status: criteria provided, single submitter. Criteria: ICSL Variant Classification Criteria 13 December 2019. Collection method: clinical testing. Allele origin: germline.

NM_001164508.2(NEB):c.21209A>G (p.Tyr7070Cys)

Gene: NEB (nebulin; minus strand). Cytogenetic location: 2q23.3.
Variant type: single nucleotide variant.
Coding change: c.21209A>G on transcript NM_001164508.2 (MANE Select); coding-DNA position 21209, A replaced by G.
Protein change: p.Tyr7070Cys; replaces tyrosine 7070 with cysteine.
Molecular consequence: missense variant.
Genome position (GRCh38, 1-based): chr2:151,535,794, T>C on the plus strand (A>G on the coding strand, the complement: NEB is on the minus strand). VCF-style: chr2-151535794-T-C. GRCh37 (hg19) VCF-style: chr2-152392308-T-C.
Other names: c.21209A>G, p.Tyr7070Cys (NM_001164507.2, NM_001271208.2); c.16106A>G, p.Tyr5369Cys (NM_004543.5); short protein forms Y5369C, Y7070C.
Identifiers: ClinVar variation 331427 (VCV000331427.8), dbSNP rs754366347, ClinGen allele CA1907044.
Genomic context (GRCh38, chr2:151,535,794, plus strand): 5'-GGAGAGTCGGCAACATACTTGAAATCTGACTTTGTCCTTTCAAATACTTCTTTATACTTA[T>C]ACTAGAAAAAACAGAACATGGTTACTTGACAGCAGGCTATGATTATCTTAAGAATGAGAC-3'
Protein context (NP_001157980.2, residues 7060-7080): AEKNKTLYSK[Tyr7070Cys]KYKEVFERTK